The following is an entry in ClinVar:

ClinVar aggregate classification (germline): Benign (1 of 4 stars; one submission).

Conditions:
Familial adenomatous polyposis 1 (FAP1). Also called: POLYPOSIS, ADENOMATOUS INTESTINAL; FAMILIAL ADENOMATOUS POLYPOSIS 1, ATTENUATED. Identifiers: MedGen C2713442, MONDO:0021056, OMIM 175100. Disease mechanism: loss of function.

Submission:

Myriad Genetics, Inc.
Classification: Benign for Familial adenomatous polyposis 1. Last evaluated: 2024-04-01. Review status: criteria provided, single submitter. Criteria: Myriad Autosomal Dominant, Autosomal Recessive and X-Linked Classification Criteria (2023). Collection method: clinical testing. Allele origin: unknown.
Comment: This variant is considered benign. This variant is a silent/synonymous amino acid change and it is not expected to impact splicing.

NM_000038.6(APC):c.5280C>T (p.Pro1760=)

Gene: APC (APC regulator of Wnt signaling pathway; plus strand). Cytogenetic location: 5q22.2.
Variant type: single nucleotide variant.
Coding change: c.5280C>T on transcript NM_000038.6 (MANE Select); coding-DNA position 5280, C replaced by T.
Protein change: p.Pro1760=; no amino-acid change (proline 1760 retained).
Molecular consequence: synonymous variant. On other transcripts: non-coding transcript variant (2).
Genome position (GRCh38, 1-based): chr5:112,840,874, C>T. VCF-style: chr5-112840874-C-T. GRCh37 (hg19) VCF-style: chr5-112176571-C-T.
Other names: c.5280C>T, p.Pro1760= (NM_001127510.3, NM_001354895.2, NM_001407450.1); c.5226C>T, p.Pro1742= (NM_001127511.3); c.5334C>T, p.Pro1778= (NM_001354896.2, NM_001407447.1, NM_001407448.1 and 1 more transcripts); c.5310C>T, p.Pro1770= (NM_001354897.2); c.5205C>T, p.Pro1735= (NM_001354898.2); c.5196C>T, p.Pro1732= (NM_001354899.2); c.5157C>T, p.Pro1719= (NM_001354900.2); c.5103C>T, p.Pro1701= (NM_001354901.2, NM_001407453.1); and 11 more.
Identifiers: ClinVar variation 3253980 (VCV003253980.1), dbSNP rs1554086592.